The following is an entry in ClinVar:

ClinVar aggregate classification (germline): Uncertain significance (1 of 4 stars; one submission).

Conditions:
Long QT syndrome (LQTS). Identifiers: MedGen C0023976, MeSH D008133, MONDO:0002442. Disease mechanism: loss of function. Inheritance: Various modes of inheritance.

Allele frequency attached by ClinVar (database versions not stated): gnomAD 0.00001.
gnomAD v4.1: 5 of 1,613,832 alleles (0.00031%); highest among the groups gnomAD compares: African/African-American, 0.0067%; no homozygotes.

Submission:

Labcorp Genetics (formerly Invitae), Labcorp
Classification: Uncertain significance for Long QT syndrome. Last evaluated: 2021-02-21. Review status: criteria provided, single submitter. Criteria: Invitae Variant Classification Sherloc (09022015). Collection method: clinical testing. Allele origin: germline.
Comment: This variant is not present in population databases (ExAC no frequency). This variant has not been reported in the literature in individuals with ANK2-related conditions. Algorithms developed to predict the effect of missense changes on protein structure and function are either unavailable or do not agree on the potential impact of this missense change (SIFT: "Deleterious"; PolyPhen-2: "Possibly Damaging"; Align-GVGD: "Class C0"). In summary, the available evidence is currently insufficient to determine the role of this variant in disease. Therefore, it has been classified as a Variant of Uncertain Significance. This sequence change replaces threonine with serine at codon 3894 of the ANK2 protein (p.Thr3894Ser). The threonine residue is moderately conserved and there is a small physicochemical difference between threonine and serine.

NM_001148.6(ANK2):c.11681C>G (p.Thr3894Ser)

Gene: ANK2 (ankyrin 2; plus strand). Cytogenetic location: 4q26.
Variant type: single nucleotide variant.
Coding change: c.11681C>G on transcript NM_001148.6 (MANE Select); coding-DNA position 11681, C replaced by G.
Protein change: p.Thr3894Ser; replaces threonine 3894 with serine.
Molecular consequence: missense variant. On other transcripts: intron variant (1).
Genome position (GRCh38, 1-based): chr4:113,373,160, C>G. VCF-style: chr4-113373160-C-G. GRCh37 (hg19) VCF-style: chr4-114294316-C-G.
Other names: c.5399C>G, p.Thr1800Ser (NM_001127493.3); c.5438C>G, p.Thr1813Ser (NM_001354225.2); c.5420C>G, p.Thr1807Ser (NM_001354228.2); c.5405C>G, p.Thr1802Ser (NM_001354230.2); c.5561C>G, p.Thr1854Ser (NM_001354231.2); c.5555C>G, p.Thr1852Ser (NM_001354232.2); c.5516C>G, p.Thr1839Ser (NM_001354235.2); c.5324C>G, p.Thr1775Ser (NM_001354236.2); and 44 more; short protein forms T1722S, T1738S, T1754S, T1766S, T1776S, T1799S, T1800S, T1802S.
Identifiers: ClinVar variation 1432873 (VCV001432873.8), dbSNP rs1318639708, ClinGen allele CA357943474.